The following is an entry in ClinVar:

ClinVar aggregate classification (germline): Likely benign. Review status: criteria provided, multiple submitters, no conflicts (2 of 4 stars). 2 submissions from 2 submitters: Likely benign (2). Last evaluated 2025-07-22.

Conditions:
Leber congenital amaurosis 3 (LCA3). Also called: SPATA7-Related Retinitis Pigmentosa. Identifiers: MedGen C1858677, MONDO:0011415, OMIM 604232.
SPATA7-related disorder. Also called: SPATA7-related condition; SPATA7-related disorders. Identifiers: MedGen CN239422.

Allele frequency attached by ClinVar (database versions not stated): gnomAD exomes 0.00002 and 0.00003; ExAC 0.00003; gnomAD 0.00005; TOPMed 0.00009.
gnomAD v4.1: 57 of 1,613,762 alleles (0.0035%); highest among the groups gnomAD compares: African/African-American, 0.013%; no homozygotes.

Submissions (2):

PreventionGenetics, part of Exact Sciences
Classification: Likely benign for SPATA7-related condition. Last evaluated: 2025-07-22. Review status: criteria provided, single submitter. Criteria: ACMG Guidelines, 2015. Collection method: clinical testing. Allele origin: germline.
Comment: This variant is classified as likely benign based on ACMG/AMP sequence variant interpretation guidelines (Richards et al. 2015 PMID: 25741868, with internal and published modifications).

Labcorp Genetics (formerly Invitae), Labcorp
Classification: Likely benign for Leber congenital amaurosis 3. Last evaluated: 2024-05-28. Review status: criteria provided, single submitter. Criteria: Invitae Variant Classification Sherloc (09022015). Collection method: clinical testing. Allele origin: germline.

NM_018418.5(SPATA7):c.1722C>T (p.Gly574=)

Gene: SPATA7 (spermatogenesis associated 7; plus strand). Cytogenetic location: 14q31.3.
Variant type: single nucleotide variant.
Coding change: c.1722C>T on transcript NM_018418.5 (MANE Select); coding-DNA position 1722, C replaced by T.
Protein change: p.Gly574=; no amino-acid change (glycine 574 retained).
Molecular consequence: synonymous variant.
Genome position (GRCh38, 1-based): chr14:88,438,344, C>T. VCF-style: chr14-88438344-C-T. GRCh37 (hg19) VCF-style: chr14-88904688-C-T.
Other names: c.1626C>T, p.Gly542= (NM_001040428.4).
Identifiers: ClinVar variation 862335 (VCV000862335.8), dbSNP rs763938332, ClinGen allele CA7298858.